The following is an entry in ClinVar:

ClinVar aggregate classification (germline): Uncertain significance (1 of 4 stars; one submission).

Conditions:
Hereditary cancer-predisposing syndrome. Also called: Hereditary neoplastic syndrome; Neoplastic Syndromes, Hereditary; Tumor predisposition; Hereditary Cancer Syndrome. Identifiers: Orphanet 140162, MedGen C0027672, MeSH D009386, MONDO:0015356.

Submission:

Ambry Genetics
Classification: Uncertain significance for Hereditary cancer-predisposing syndrome. Last evaluated: 2022-06-08. Review status: criteria provided, single submitter. Criteria: Ambry Variant Classification Scheme 2023. Collection method: clinical testing. Allele origin: germline.
Comment: The p.C2159S variant (also known as c.6475T>A), located in coding exon 44 of the ATM gene, results from a T to A substitution at nucleotide position 6475. The cysteine at codon 2159 is replaced by serine, an amino acid with dissimilar properties. This amino acid position is conserved. In addition, this alteration is predicted to be tolerated by in silico analysis. Since supporting evidence is limited at this time, the clinical significance of this alteration remains unclear.

NM_000051.4(ATM):c.6475T>A (p.Cys2159Ser)

Genes: ATM (ATM serine/threonine kinase; plus strand), C11orf65 (chromosome 11 open reading frame 65; minus strand). Cytogenetic location: 11q22.3.
Variant type: single nucleotide variant.
Coding change: c.6475T>A on transcript NM_000051.4 (MANE Select); coding-DNA position 6475, T replaced by A.
Protein change: p.Cys2159Ser; replaces cysteine 2159 with serine.
Molecular consequence: missense variant. On other transcripts: intron variant (2).
Genome position (GRCh38, 1-based): chr11:108,321,323, T>A. VCF-style: chr11-108321323-T-A. GRCh37 (hg19) VCF-style: chr11-108192050-T-A.
Other names: c.6475T>A, p.Cys2159Ser (NM_001351834.2); c.641-12252A>T (NM_001330368.2); c.*39-12252A>T (NM_001351110.2); short protein forms C2159S.
Identifiers: ClinVar variation 1753728 (VCV001753728.2), dbSNP rs150408832, ClinGen allele CA382553926.